The following is an entry in ClinVar:

ClinVar aggregate classification (germline): Uncertain significance (1 of 4 stars; one submission).

Conditions:
Arrhythmogenic right ventricular dysplasia 13. Also called: ARRHYTHMOGENIC RIGHT VENTRICULAR CARDIOMYOPATHY 13; Arrhythmogenic right ventricular dysplasia, familial, 13. Identifiers: MedGen C3810138, MONDO:0000908, OMIM 615616.

Allele frequency attached by ClinVar (database versions not stated): gnomAD 0.00001; TOPMed 0.00002; ESP Exome Variant Server 0.00008.
gnomAD v4.1: 12 of 1,613,652 alleles (0.00074%); highest among the groups gnomAD compares: Admixed American, 0.005%; no homozygotes.

Submission:

Labcorp Genetics (formerly Invitae), Labcorp
Classification: Uncertain significance for Arrhythmogenic right ventricular dysplasia 13. Last evaluated: 2026-01-09. Review status: criteria provided, single submitter. Criteria: Invitae Variant Classification Sherloc (09022015). Collection method: clinical testing. Allele origin: germline.
Comment: This sequence change replaces arginine, which is basic and polar, with glutamine, which is neutral and polar, at codon 407 of the CTNNA3 protein (p.Arg407Gln). This variant is present in population databases (rs369880246, gnomAD 0.01%). This variant has not been reported in the literature in individuals affected with CTNNA3-related conditions. ClinVar contains an entry for this variant (Variation ID: 942053). Invitae Evidence Modeling of protein sequence and biophysical properties (such as structural, functional, and spatial information, amino acid conservation, physicochemical variation, residue mobility, and thermodynamic stability) indicates that this missense variant is not expected to disrupt CTNNA3 protein function with a negative predictive value of 80%. In summary, the available evidence is currently insufficient to determine the role of this variant in disease. Therefore, it has been classified as a Variant of Uncertain Significance.

NM_013266.4(CTNNA3):c.1220G>A (p.Arg407Gln)

Gene: CTNNA3 (catenin alpha 3; minus strand). Cytogenetic location: 10q21.3.
Variant type: single nucleotide variant.
Coding change: c.1220G>A on transcript NM_013266.4 (MANE Select); coding-DNA position 1220, G replaced by A.
Protein change: p.Arg407Gln; replaces arginine 407 with glutamine.
Molecular consequence: missense variant.
Genome position (GRCh38, 1-based): chr10:66,766,325, C>T on the plus strand (G>A on the coding strand, the complement: CTNNA3 is on the minus strand). VCF-style: chr10-66766325-C-T. GRCh37 (hg19) VCF-style: chr10-68526083-C-T.
Other names: c.1220G>A, p.Arg407Gln (NM_001127384.3); short protein forms R407Q.
Identifiers: ClinVar variation 942053 (VCV000942053.9), dbSNP rs369880246, ClinGen allele CA5520020.
Genomic context (GRCh38, chr10:66,766,325, plus strand): 5'-TCTACAAGCCTGCTGGTGTGTTCATGAAATATCGCAGCATATTCTTTTATTTCCTTTTCC[C>T]GGCCATTCTTAGCAGCTTCAATGAGAACCAAAAGAGGGACTGTCGTATCCAGGAAAGAGT-3'
Protein context (NP_037398.2, residues 397-417): LVLIEAAKNG[Arg407Gln]EKEIKEYAAI